The following is an entry in ClinVar:

NM_006031.6(PCNT):c.9393+8C>T

Gene: PCNT (pericentrin; plus strand). Cytogenetic location: 21q22.3.
Variant type: single nucleotide variant.
Coding change: c.9393+8C>T on transcript NM_006031.6 (MANE Select); 8 bases into the intron after coding-DNA position 9393, C replaced by T.
Molecular consequence: intron variant.
Genome position (GRCh38, 1-based): chr21:46,440,210, C>T. VCF-style: chr21-46440210-C-T. GRCh37 (hg19) VCF-style: chr21-47860123-C-T.
Other names: c.8802+8C>T (NM_001315529.2).
Identifiers: ClinVar variation 436236 (VCV000436236.12), dbSNP rs750108017, ClinGen allele CA10081309.

ClinVar aggregate classification (germline): Conflicting classifications of pathogenicity. Review status: criteria provided, conflicting classifications (1 of 4 stars). 3 submissions from 3 submitters: Uncertain significance (1); Likely benign (1). 1 of the submissions does not count toward it. Last evaluated 2024-03-12.

Conditions:
PCNT-related disorder. Also called: PCNT-related condition.

Allele frequency attached by ClinVar (database versions not stated): ExAC 0.00003; TOPMed 0.00003.
gnomAD v4.1: 50 of 1,613,738 alleles (0.0031%); highest among the groups gnomAD compares: Middle Eastern, 0.016%; no homozygotes.

Submissions (3):

Labcorp Genetics (formerly Invitae), Labcorp
Classification: Likely benign. Last evaluated: 2024-03-12. Review status: criteria provided, single submitter. Criteria: Invitae Variant Classification Sherloc (09022015). Collection method: clinical testing. Allele origin: germline.

Genetic Services Laboratory, University of Chicago
Classification: Uncertain significance. Last evaluated: 2016-01-29. Review status: criteria provided, single submitter. Criteria: ACMG Guidelines, 2015. Collection method: clinical testing. Allele origin: germline. Affected: no.

PreventionGenetics, part of Exact Sciences
Classification: Likely benign for PCNT-related condition. Last evaluated: 2023-08-14. Review status: no assertion criteria provided. Collection method: clinical testing. Allele origin: germline. Not counted in ClinVar's aggregate classification.
Comment: This variant is classified as likely benign based on ACMG/AMP sequence variant interpretation guidelines (Richards et al. 2015 PMID: 25741868, with internal and published modifications).